The following is an entry in ClinVar:

NM_178857.6(RP1L1):c.1937G>C (p.Ser646Thr)

Gene: RP1L1 (RP1 like 1). Cytogenetic location: 8p23.1.
Variant type: single nucleotide variant.
Coding change: c.1937G>C on transcript NM_178857.6 (MANE Select); coding-DNA position 1937, G replaced by C.
Protein change: p.Ser646Thr; replaces serine 646 with threonine.
Molecular consequence: missense variant.
Genome position (GRCh38, 1-based): chr8:10,612,161, C>G on the plus strand (G>C on the coding strand, the complement: RP1L1 is on the minus strand). VCF-style: chr8-10612161-C-G. GRCh37 (hg19) VCF-style: chr8-10469671-C-G.
Other names: short protein forms S646T.
Identifiers: ClinVar variation 1302109 (VCV001302109.2), dbSNP rs755501463, ClinGen allele CA4625008.

ClinVar aggregate classification (germline): Uncertain significance (1 of 4 stars; one submission).

Allele frequency attached by ClinVar (database versions not stated): gnomAD exomes below 0.00001; ExAC 0.00002; gnomAD 0.00005 and 0.00006; TOPMed 0.00005.
gnomAD v4.1: 9 of 1,613,368 alleles (0.00056%); highest among the groups gnomAD compares: African/African-American, 0.011%; no homozygotes.

Submission:

GeneDx
Classification: Uncertain significance. Last evaluated: 2019-05-08. Review status: criteria provided, single submitter. Criteria: GeneDx Variant Classification Process June 2021. Collection method: clinical testing. Allele origin: germline. Affected: yes.
Comment: In silico analysis, which includes protein predictors and evolutionary conservation, supports that this variant does not alter protein structure/function; Has not been previously published as pathogenic or benign to our knowledge